The following is an entry in ClinVar:

NM_002439.5(MSH3):c.2692A>C (p.Asn898His)

Gene: MSH3 (mutS homolog 3; plus strand). Cytogenetic location: 5q14.1.
Variant type: single nucleotide variant.
Coding change: c.2692A>C on transcript NM_002439.5 (MANE Select); coding-DNA position 2692, A replaced by C.
Protein change: p.Asn898His; replaces asparagine 898 with histidine.
Molecular consequence: missense variant.
Genome position (GRCh38, 1-based): chr5:80,813,620, A>C. VCF-style: chr5-80813620-A-C. GRCh37 (hg19) VCF-style: chr5-80109439-A-C.
Other names: short protein forms N898H.
Identifiers: ClinVar variation 1794816 (VCV001794816.2), dbSNP rs2546797312, ClinGen allele CA360273876.

ClinVar aggregate classification (germline): Uncertain significance (1 of 4 stars; one submission).

Conditions:
Hereditary cancer-predisposing syndrome. Also called: Tumor predisposition; Hereditary Cancer Syndrome; Neoplastic Syndromes, Hereditary; Hereditary neoplastic syndrome. Identifiers: Orphanet 140162, MedGen C0027672, MeSH D009386, MONDO:0015356.

gnomAD v4.1: 1 of 1,614,180 alleles (0.000062%); highest among the groups gnomAD compares: South Asian, 0.0011%; no homozygotes.

Submission:

Ambry Genetics
Classification: Uncertain significance for Hereditary cancer-predisposing syndrome. Last evaluated: 2021-04-15. Review status: criteria provided, single submitter. Criteria: Ambry Variant Classification Scheme 2023. Collection method: clinical testing. Allele origin: germline.
Comment: The p.N898H variant (also known as c.2692A>C), located in coding exon 20 of the MSH3 gene, results from an A to C substitution at nucleotide position 2692. The asparagine at codon 898 is replaced by histidine, an amino acid with similar properties. This amino acid position is highly conserved in available vertebrate species. In addition, the in silico prediction for this alteration is inconclusive. Since supporting evidence is limited at this time, the clinical significance of this alteration remains unclear.

Literature cited by the submitters: PubMed 30573798.